The following is an entry in ClinVar:

ClinVar aggregate classification (germline): Uncertain significance (1 of 4 stars; one submission).

gnomAD v4.1: 5 of 1,614,074 alleles (0.00031%); highest among the groups gnomAD compares: Non-Finnish European, 0.00042%; no homozygotes.

Submission:

Labcorp Genetics (formerly Invitae), Labcorp
Classification: Uncertain significance. Last evaluated: 2024-10-12. Review status: criteria provided, single submitter. Criteria: Invitae Variant Classification Sherloc (09022015). Collection method: clinical testing. Allele origin: germline.
Comment: This sequence change replaces serine, which is neutral and polar, with asparagine, which is neutral and polar, at codon 91 of the RP1L1 protein (p.Ser91Asn). The frequency data for this variant in the population databases is considered unreliable, as metrics indicate poor data quality at this position in the gnomAD database. This variant has not been reported in the literature in individuals affected with RP1L1-related conditions. Invitae Evidence Modeling of protein sequence and biophysical properties (such as structural, functional, and spatial information, amino acid conservation, physicochemical variation, residue mobility, and thermodynamic stability) indicates that this missense variant is not expected to disrupt RP1L1 protein function with a negative predictive value of 80%. In summary, the available evidence is currently insufficient to determine the role of this variant in disease. Therefore, it has been classified as a Variant of Uncertain Significance.

NM_178857.6(RP1L1):c.272G>A (p.Ser91Asn)

Gene: RP1L1 (RP1 like 1). Cytogenetic location: 8p23.1.
Variant type: single nucleotide variant.
Coding change: c.272G>A on transcript NM_178857.6 (MANE Select); coding-DNA position 272, G replaced by A.
Protein change: p.Ser91Asn; replaces serine 91 with asparagine.
Molecular consequence: missense variant.
Genome position (GRCh38, 1-based): chr8:10,622,930, C>T on the plus strand (G>A on the coding strand, the complement: RP1L1 is on the minus strand). VCF-style: chr8-10622930-C-T. GRCh37 (hg19) VCF-style: chr8-10480440-C-T.
Other names: short protein forms S91N.
Identifiers: ClinVar variation 3700152 (VCV003700152.2).